The following is an entry in ClinVar:

GRCh38/hg38 5p13.3-13.2(chr5:30149035-35213678)x1

Genes: C1QTNF3 (C1q and TNF related 3; minus strand), C1QTNF3-AMACR (C1QTNF3-AMACR readthrough (NMD candidate); minus strand), C5orf22 (chromosome 5 open reading frame 22; plus strand), CDH6 (cadherin 6; plus strand), DNAJC21 (DnaJ heat shock protein family (Hsp40) member C21; plus strand) and 113 more. Cytogenetic location: 5p13.3-13.2.
Variant type: copy number loss.
Change: copy number 1 (one copy instead of two) of chr5:30,149,035-35,213,678 (5.06 Mb, GRCh38 coordinates, 1-based), cytogenetic band 5p13.3-13.2.
Identifiers: ClinVar variation 59606 (VCV000059606.1).

ClinVar aggregate classification (germline): Pathogenic (1 of 4 stars; one submission).

Submission:

ISCA site 15
Classification: Pathogenic. Last evaluated: 2011-08-12. Review status: criteria provided, single submitter. Criteria: Kaminsky et al. (Genet Med. 2011). Collection method: clinical testing. Allele origin: maternal. Affected: yes. Observed: 1 variant allele.
Comment: Copy number variation identified through the course of routine clinical cytogenomic testing in postnatal populations. Clinical assertions have been curated as described in Kaminsky et al. 2011.